The following is an entry in ClinVar:

ClinVar aggregate classification (germline): Uncertain significance (1 of 4 stars; one submission).

Conditions:
Inborn genetic diseases. Identifiers: MedGen C0950123, MeSH D030342.

Submission:

Ambry Genetics
Classification: Uncertain significance for Inborn genetic diseases. Last evaluated: 2026-05-15. Review status: criteria provided, single submitter. Criteria: Ambry Variant Classification Scheme 2023. Collection method: clinical testing. Allele origin: germline.
Comment: The p.L1149Q variant (also known as c.3446T>A), located in coding exon 1 of the SAMD9 gene, results from a T to A substitution at nucleotide position 3446. The leucine at codon 1149 is replaced by glutamine, an amino acid with dissimilar properties. This amino acid position is conserved. In addition, this alteration is predicted to be tolerated by in silico analysis. Based on the available evidence, the clinical significance of this variant remains unclear.

NM_017654.4(SAMD9):c.3446T>A (p.Leu1149Gln)

Gene: SAMD9 (sterile alpha motif domain containing 9; minus strand). Cytogenetic location: 7q21.2.
Variant type: single nucleotide variant.
Coding change: c.3446T>A on transcript NM_017654.4 (MANE Select); coding-DNA position 3446, T replaced by A.
Protein change: p.Leu1149Gln; replaces leucine 1149 with glutamine.
Molecular consequence: missense variant.
Genome position (GRCh38, 1-based): chr7:93,102,652, A>T on the plus strand (T>A on the coding strand, the complement: SAMD9 is on the minus strand). VCF-style: chr7-93102652-A-T. GRCh37 (hg19) VCF-style: chr7-92731965-A-T.
Other names: c.3446T>A, p.Leu1149Gln (NM_001193307.2); short protein forms L1149Q.
Identifiers: ClinVar variation 4863857 (VCV004863857.1).
Genomic context (GRCh38, chr7:93,102,652, plus strand): 5'-TGCTGTTGAGATTCTTTGAATGCACTTGAGGCATGTTCTGCTAAATCCAAAAGAGCAATT[A>T]GATCATCAACTGAAATGTTCCCGTTTCCTCCGTTTTCCTCTATCCACCATCTTATTTTAC-3'
Protein context (NP_060124.2, residues 1139-1159): GGNGNISVDD[Leu1149Gln]IALLDLAEHA